The following is an entry in ClinVar:

ClinVar aggregate classification (germline): Uncertain significance (1 of 4 stars; one submission).

Submission:

Dasa
Classification: Uncertain significance. Last evaluated: 2026-01-21. Review status: criteria provided, single submitter. Criteria: DASA Assertion Criteria. Collection method: clinical testing. Allele origin: germline.
Comment: NM_001035.3(RYR2):c.2459C>T (p.Ala820Val) is a missense variant that results in the substitution of alanine with valine. This variant is rare in population databases. The currently available literature and clinical evidence are not sufficient to establish a definitive association between this variant and the reported condition. Therefore, this variant is classified as a variant of uncertain significance.

NM_001035.3(RYR2):c.2459C>T (p.Ala820Val)

Gene: RYR2 (ryanodine receptor 2; plus strand). Cytogenetic location: 1q43.
Variant type: single nucleotide variant.
Coding change: c.2459C>T on transcript NM_001035.3 (MANE Select); coding-DNA position 2459, C replaced by T.
Protein change: p.Ala820Val; replaces alanine 820 with valine.
Molecular consequence: missense variant.
Genome position (GRCh38, 1-based): chr1:237,503,351, C>T. VCF-style: chr1-237503351-C-T. GRCh37 (hg19) VCF-style: chr1-237666651-C-T.
Other names: short protein forms A820V.
Identifiers: ClinVar variation 4885248 (VCV004885248.2).